The following is an entry in ClinVar:

ClinVar aggregate classification (germline): Conflicting classifications of pathogenicity. Review status: criteria provided, conflicting classifications (1 of 4 stars). 8 submissions from 8 submitters: Uncertain significance (6); Likely benign (2). Last evaluated 2025-12-10.

Conditions:
RYR1-related disorder. Also called: RYR1-related disorders; RYR1-related condition. Identifiers: MedGen CN239331.
Myalgia. Identifiers: MedGen C0231528, HP:0003326.
Exercise-induced myalgia. Identifiers: MedGen C1850830, HP:0003738.
Elevated circulating creatine kinase activity. Also called: Elevated serum creatine phosphokinase; Elevated circulating creatine kinase concentration; Elevated creatine kinase. Identifiers: MedGen C0241005, HP:0003236.
Malignant hyperthermia, susceptibility to, 1 (MHS1). Also called: Anesthesia related hyperthermia; Malignant hyperpyrexia; Fulminating hyperpyrexia; Pharmacogenic myopathy; Malignant hyperthermia suceptibility 1; RYR1-Related Malignant Hyperthermia Susceptibility. Identifiers: Orphanet 423, MedGen C2930980, MONDO:0007783, OMIM 145600.
Central core myopathy (CMYO1A). Also called: CONGENITAL MYOPATHY 1A, AUTOSOMAL DOMINANT, WITH SUSCEPTIBILITY TO MALIGNANT HYPERTHERMIA; Central core disease; Myopathy, central fibrillar. Identifiers: Orphanet 597, MedGen C5830701, MONDO:0007294, OMIM 117000.
Congenital multicore myopathy with external ophthalmoplegia (CMYO1B). Also called: MULTIMINICORE DISEASE WITH EXTERNAL OPHTHALMOPLEGIA; Congenital myopathy 1B, autosomal recessive; Minicore myopathy; MULTICORE MYOPATHY; Minicore myopathy with external ophthalmoplegia. Identifiers: Orphanet 598, Orphanet 98905, MedGen C1850674, MONDO:0009712, OMIM 255320, HP:0003789.
Congenital myopathy with fiber type disproportion. Also called: Congenital fiber-type disproportion myopathy; Congenital fiber-type disproportion. Identifiers: Orphanet 2020, MedGen C0546264, MONDO:0009711. Inheritance: all.

Allele frequency attached by ClinVar (database versions not stated): gnomAD 0.00009 and 0.00010; TOPMed 0.00011; gnomAD exomes 0.00022; ESP Exome Variant Server 0.00023; ExAC 0.00033.
gnomAD v4.1: 234 of 1,613,800 alleles (0.014%); highest among the groups gnomAD compares: Non-Finnish European, 0.017%; no homozygotes.

Submissions (8):

Labcorp Genetics (formerly Invitae), Labcorp
Classification: Likely benign for RYR1-related disorder. Last evaluated: 2025-12-10. Review status: criteria provided, single submitter. Criteria: Invitae Variant Classification Sherloc (09022015). Collection method: clinical testing. Allele origin: germline.

PreventionGenetics, part of Exact Sciences
Classification: Uncertain significance for RYR1-related condition. Last evaluated: 2025-11-12. Review status: criteria provided, single submitter. Criteria: ACMG Guidelines, 2015. Collection method: clinical testing. Allele origin: germline.
Comment: The RYR1 c.11599C>T variant is predicted to result in the amino acid substitution p.Arg3867Cys. To our knowledge, this variant has not been reported in the literature. This variant is reported in 0.089% of alleles in individuals of Ashkenazi Jewish descent in gnomAD, which may be too frequent to be a primary cause of disease. Although we suspect that this variant may be benign, at this time, the clinical significance of this variant is uncertain due to the absence of conclusive functional and genetic evidence.

Blueprint Genetics
Classification: Uncertain significance. Last evaluated: 2024-06-07. Review status: criteria provided, single submitter. Criteria: ACMG Guidelines, 2015. Collection method: clinical testing. Allele origin: germline.

GeneDx
Classification: Uncertain significance. Last evaluated: 2022-12-20. Review status: criteria provided, single submitter. Criteria: GeneDx Variant Classification Process June 2021. Collection method: clinical testing. Allele origin: germline. Affected: yes.
Comment: In silico analysis, which includes protein predictors and evolutionary conservation, supports a deleterious effect; This variant is associated with the following publications: (PMID: 23069638, 30032850)

Color Diagnostics, LLC DBA Color Health
Classification: Likely benign for Malignant hyperthermia, susceptibility to, 1. Last evaluated: 2022-12-19. Review status: criteria provided, single submitter. Criteria: ACMG Guidelines, 2015. Collection method: clinical testing. Allele origin: germline.

Fulgent Genetics
Classification: Uncertain significance for Central core myopathy; Malignant hyperthermia, susceptibility to, 1; Congenital myopathy 4A, autosomal dominant; Congenital multicore myopathy with external ophthalmoplegia. Last evaluated: 2018-10-31. Review status: criteria provided, single submitter. Criteria: ACMG Guidelines, 2015. Collection method: clinical testing. Allele origin: unknown.

Centre for Mendelian Genomics, University Medical Centre Ljubljana
Classification: Uncertain significance for Elevated circulating creatine kinase activity; Exercise-induced myalgia; Myalgia. Last evaluated: 2017-01-01. Review status: criteria provided, single submitter. Criteria: ACMG Guidelines, 2015. Collection method: clinical testing. Allele origin: unknown. Affected: yes.

Biesecker Lab/Clinical Genomics Section, National Institutes of Health
Classification: Uncertain significance for Malignant hyperthermia, susceptibility to, 1. Last evaluated: 2013-07-01. Review status: criteria provided, single submitter. Criteria: Gonsalves et al. 2013. Collection method: research. Allele origin: unknown. Observed: 1 variant allele. Study: ClinSeq.
Comment: The study set was not selected for affection status in relation to any myopathy. Pathogenicity categories were based on literature curation. See Pubmed ID: 24195946 for details.

NM_000540.3(RYR1):c.11599C>T (p.Arg3867Cys)

Gene: RYR1 (ryanodine receptor 1; plus strand). Cytogenetic location: 19q13.2.
Variant type: single nucleotide variant.
Coding change: c.11599C>T on transcript NM_000540.3 (MANE Select); coding-DNA position 11599, C replaced by T.
Protein change: p.Arg3867Cys; replaces arginine 3867 with cysteine.
Molecular consequence: missense variant.
Genome position (GRCh38, 1-based): chr19:38,536,758, C>T. VCF-style: chr19-38536758-C-T. GRCh37 (hg19) VCF-style: chr19-39027398-C-T.
Other names: c.11584C>T, p.Arg3862Cys (NM_001042723.2); short protein forms R3867C, R3862C.
Identifiers: ClinVar variation 224400 (VCV000224400.21), dbSNP rs138593495, ClinGen allele CA057247.